The following is an entry in ClinVar:

ClinVar aggregate classification (germline): Uncertain significance. Review status: criteria provided, multiple submitters, no conflicts (2 of 4 stars). 2 submissions from 2 submitters: Uncertain significance (2). Last evaluated 2025-05-16.

Conditions:
Inborn genetic diseases. Identifiers: MedGen C0950123, MeSH D030342.
Hereditary spastic paraplegia 11. Also called: Spastic paraplegia, mental retardation and thin corpus callosum; Nakamura Osame syndrome; Autosomal recessive hereditary spastic paraplegia, mental impairment, and thin corpus callosum; SPASTIC PARAPLEGIA, AUTOSOMAL RECESSIVE, COMPLICATED, WITH THIN CORPUS CALLOSUM; SPASTIC PARAPLEGIA, AUTOSOMAL RECESSIVE, WITH MENTAL IMPAIRMENT AND THIN CORPUS CALLOSUM; Spastic Paraplegia 11. Identifiers: Orphanet 2822, MedGen C1858479, MONDO:0011445, OMIM 604360.

Allele frequency attached by ClinVar (database versions not stated): gnomAD exomes below 0.00001.
gnomAD v4.1: 4 of 1,611,524 alleles (0.00025%); highest among the groups gnomAD compares: Admixed American, 0.0067%; no homozygotes.

Submissions (2):

Ambry Genetics
Classification: Uncertain significance for Inborn genetic diseases. Last evaluated: 2025-05-16. Review status: criteria provided, single submitter. Criteria: Ambry Variant Classification Scheme 2023. Collection method: clinical testing. Allele origin: germline.

Labcorp Genetics (formerly Invitae), Labcorp
Classification: Uncertain significance for Hereditary spastic paraplegia 11. Last evaluated: 2022-04-18. Review status: criteria provided, single submitter. Criteria: Invitae Variant Classification Sherloc (09022015). Collection method: clinical testing. Allele origin: germline.
Comment: This sequence change replaces lysine, which is basic and polar, with arginine, which is basic and polar, at codon 876 of the SPG11 protein (p.Lys876Arg). This variant is not present in population databases (gnomAD no frequency). This variant has not been reported in the literature in individuals affected with SPG11-related conditions. Algorithms developed to predict the effect of missense changes on protein structure and function output the following: SIFT: "Tolerated"; PolyPhen-2: "Possibly Damaging"; Align-GVGD: "Class C0". The arginine amino acid residue is found in multiple mammalian species, which suggests that this missense change does not adversely affect protein function. In summary, the available evidence is currently insufficient to determine the role of this variant in disease. Therefore, it has been classified as a Variant of Uncertain Significance.

NM_025137.4(SPG11):c.2627A>G (p.Lys876Arg)

Gene: SPG11 (SPG11 vesicle trafficking associated, spatacsin; minus strand). Cytogenetic location: 15q21.1.
Variant type: single nucleotide variant.
Coding change: c.2627A>G on transcript NM_025137.4 (MANE Select); coding-DNA position 2627, A replaced by G.
Protein change: p.Lys876Arg; replaces lysine 876 with arginine.
Molecular consequence: missense variant.
Genome position (GRCh38, 1-based): chr15:44,620,397, T>C on the plus strand (A>G on the coding strand, the complement: SPG11 is on the minus strand). VCF-style: chr15-44620397-T-C. GRCh37 (hg19) VCF-style: chr15-44912595-T-C.
Other names: c.2627A>G, p.Lys876Arg (NM_001160227.2, NM_001411132.1); c.2627A>G (NM_025137.3); short protein forms K876R.
Identifiers: ClinVar variation 2156055 (VCV002156055.2), dbSNP rs1023862997, ClinGen allele CA270072382.